The following is an entry in ClinVar:

NM_007294.4(BRCA1):c.81-19T>C

Gene: BRCA1 (BRCA1 DNA repair associated; minus strand). Cytogenetic location: 17q21.31.
Variant type: single nucleotide variant.
Coding change: c.81-19T>C on transcript NM_007294.4 (MANE Select); 19 bases into the intron before coding-DNA position 81, T replaced by C.
Molecular consequence: intron variant.
Genome position (GRCh38, 1-based): chr17:43,115,798, A>G on the plus strand (T>C on the coding strand, the complement: BRCA1 is on the minus strand). VCF-style: chr17-43115798-A-G. GRCh37 (hg19) VCF-style: chr17-41267815-A-G.
Other names: c.-61-19T>C (NM_001408458.1, NM_001408470.1, NM_001407848.1 and 47 more transcripts); c.-219+9479T>C (NM_001407967.1); c.-170+9479T>C (NM_001407959.1); c.-7-9265T>C (NM_001407931.1, NM_001407747.1, NM_001408511.1 and 2 more transcripts); c.-223-19T>C (NM_001407962.1, NM_001408512.1, NM_001408510.1 and 1 more transcripts); c.-108-19T>C (NM_001407885.1, NM_001407886.1, NM_001408509.1 and 52 more transcripts); c.-177-19T>C (NM_001407746.1, NM_001408468.1, NM_001407842.1 and 13 more transcripts); c.-8+8219T>C (NM_001408461.1, NM_001407738.1, NM_001407932.1 and 23 more transcripts); and 10 more.
Identifiers: ClinVar variation 630864 (VCV000630864.13), dbSNP rs1567818131, ClinGen allele CA913188872.
Genomic context (GRCh38, chr17:43,115,798, plus strand): 5'-TGGTCACACTTTGTGGAGACAGGTTCCTTGATCAACTCCAGACTAGCAGGGTAGGGGGGG[A>G]GAAAAAGAAAATAAATGAGGCTCAATAATTTATTTAAAAATAAAGCTATTCTTAGTGAAT-3'

ClinVar aggregate classification (germline): Likely benign. Review status: criteria provided, multiple submitters, no conflicts (2 of 4 stars). 2 submissions from 2 submitters: Likely benign (2). Last evaluated 2025-07-16.

Conditions:
Hereditary breast ovarian cancer syndrome. Also called: Hereditary breast and ovarian cancer syndrome (HBOC); Hereditary breast and ovarian cancer; BRCA1- and BRCA2-Associated Hereditary Breast and Ovarian Cancer; Breast and ovarian cancer; Hereditary breast and ovarian cancer syndrome; Hereditary breast and/or ovarian cancer syndrome. Identifiers: Orphanet 145, MedGen C0677776, MeSH D061325, MONDO:0003582. Disease mechanism: loss of function.
Hereditary cancer-predisposing syndrome. Also called: Hereditary neoplastic syndrome; Tumor predisposition; Hereditary Cancer Syndrome; Neoplastic Syndromes, Hereditary. Identifiers: Orphanet 140162, MedGen C0027672, MeSH D009386, MONDO:0015356.

Submissions (3):

Labcorp Genetics (formerly Invitae), Labcorp
Classification: Likely benign for Hereditary breast ovarian cancer syndrome. Last evaluated: 2025-07-16. Review status: criteria provided, single submitter. Criteria: Invitae Variant Classification Sherloc (09022015). Collection method: clinical testing. Allele origin: germline.

Color Diagnostics, LLC DBA Color Health
Classification: Likely benign for Hereditary cancer-predisposing syndrome. Last evaluated: 2017-11-22. Review status: criteria provided, single submitter. Criteria: ACMG Guidelines, 2015. Collection method: clinical testing. Allele origin: germline.

Brotman Baty Institute, University of Washington
No classification provided (evidence only). Condition: Breast-ovarian cancer, familial 1. Review status: no classification provided. Collection method: in vitro. Allele origin: not applicable. Functional consequence: functionally_normal. Not counted in ClinVar's aggregate classification.
ClinVar note: "not provided" was previously submitted as the classification for the variant. However, the classification appeared to be based only on an observation of functional data so it was converted to no classification on 2025-07-30.